The following is an entry in ClinVar:

NM_002474.3(MYH11):c.2860G>A (p.Asp954Asn)

Gene: MYH11 (myosin heavy chain 11; minus strand). Cytogenetic location: 16p13.11.
Variant type: single nucleotide variant.
Coding change: c.2860G>A on transcript NM_002474.3 (MANE Select); coding-DNA position 2860, G replaced by A.
Protein change: p.Asp954Asn; replaces aspartic acid 954 with asparagine.
Molecular consequence: missense variant.
Genome position (GRCh38, 1-based): chr16:15,740,188, C>T on the plus strand (G>A on the coding strand, the complement: MYH11 is on the minus strand). VCF-style: chr16-15740188-C-T. GRCh37 (hg19) VCF-style: chr16-15834045-C-T.
Other names: c.2881G>A, p.Asp961Asn (NM_001040113.2, NM_001040114.2); c.2860G>A, p.Asp954Asn (NM_022844.3); short protein forms D954N, D961N.
Identifiers: ClinVar variation 3387208 (VCV003387208.1).

ClinVar aggregate classification (germline): Uncertain significance (1 of 4 stars; one submission).

Conditions:
Familial thoracic aortic aneurysm and aortic dissection (TAAD). Also called: Thoracic aortic aneurysms and dissections. Identifiers: Orphanet 91387, MedGen C4707243, MONDO:0019625.

gnomAD v4.1: 1 of 1,614,154 alleles (0.000062%); no homozygotes.

Submission:

All of Us Research Program, National Institutes of Health
Classification: Uncertain significance for Familial thoracic aortic aneurysm and aortic dissection. Last evaluated: 2024-07-20. Review status: criteria provided, single submitter. Criteria: ACMG Guidelines, 2015. Collection method: clinical testing. Allele origin: germline. Inheritance: Autosomal dominant inheritance. Observed: 1 variant allele, 1 heterozygote.
Comment: This missense variant replaces aspartic acid with asparagine at codon 961 of the MYH11 protein. Computational prediction suggests that this variant may not impact protein structure and function (internally defined REVEL score threshold <= 0.5, PMID: 27666373). To our knowledge, functional studies have not been reported for this variant. This variant has not been reported in individuals affected with MYH11-related disorders in the literature. This variant has been identified in 1/251488 chromosomes in the general population by the Genome Aggregation Database (gnomAD). The available evidence is insufficient to determine the role of this variant in disease conclusively. Therefore, this variant is classified as a Variant of Uncertain Significance.

This study involves interpretation of variants in research participants for the purpose of population health screening. Participant phenotype was not available at the time of variant classification. Additional details can be found in publication PMID: 35346344, PMCID: PMC8962531